The following is an entry in ClinVar:

ClinVar aggregate classification (germline): Uncertain significance. Review status: criteria provided, multiple submitters, no conflicts (2 of 4 stars). 5 submissions from 5 submitters: Uncertain significance (5). Last evaluated 2026-02-17.

Conditions:
Breast-ovarian cancer, familial, susceptibility to, 1 (BROVCA1). Also called: BRCA1 Hereditary Breast and Ovarian Cancer; OVARIAN CANCER, SUSCEPTIBILITY TO. Identifiers: Orphanet 145, MedGen C2676676, MONDO:0011450, OMIM 604370. Disease mechanism: loss of function.
Hereditary cancer-predisposing syndrome. Also called: Tumor predisposition; Hereditary Cancer Syndrome; Hereditary neoplastic syndrome; Neoplastic Syndromes, Hereditary. Identifiers: Orphanet 140162, MedGen C0027672, MeSH D009386, MONDO:0015356.
Hereditary breast ovarian cancer syndrome. Also called: Hereditary breast and ovarian cancer syndrome; Hereditary breast and ovarian cancer syndrome (HBOC); Breast and ovarian cancer; Hereditary breast and ovarian cancer; Hereditary breast and/or ovarian cancer syndrome; BRCA1- and BRCA2-Associated Hereditary Breast and Ovarian Cancer. Identifiers: Orphanet 145, MedGen C0677776, MeSH D061325, MONDO:0003582. Disease mechanism: loss of function.

Submissions (5):

Ambry Genetics
Classification: Uncertain significance for Hereditary cancer-predisposing syndrome. Last evaluated: 2026-02-17. Review status: criteria provided, single submitter. Criteria: Ambry Variant Classification Scheme 2023. Collection method: clinical testing. Allele origin: germline.
Comment: The p.Q210R variant (also known as c.629A>G), located in coding exon 8 of the BRCA1 gene, results from an A to G substitution at nucleotide position 629. The glutamine at codon 210 is replaced by arginine, an amino acid with highly similar properties. This amino acid position is well conserved in available vertebrate species. In addition, this alteration is predicted to be deleterious by in silico analysis. Based on the available evidence, the clinical significance of this variant remains unclear.

Color Diagnostics, LLC DBA Color Health
Classification: Uncertain significance for Hereditary cancer-predisposing syndrome. Last evaluated: 2025-09-23. Review status: criteria provided, single submitter. Criteria: ACMG Guidelines, 2015. Collection method: clinical testing. Allele origin: germline.
Comment: This missense variant replaces glutamine with arginine at codon 210 of the BRCA1 protein. Computational prediction is inconclusive regarding the impact of this variant on protein structure and function. To our knowledge, functional studies have not been reported for this variant. This variant has not been reported in individuals affected with BRCA1-related disorders in the literature. This variant has not been identified in the general population by the Genome Aggregation Database (gnomAD). The available evidence is insufficient to determine the role of this variant in disease conclusively. Therefore, this variant is classified as a Variant of Uncertain Significance.

GeneDx
Classification: Uncertain significance. Last evaluated: 2024-04-11. Review status: criteria provided, single submitter. Criteria: GeneDx Variant Classification Process June 2021. Collection method: clinical testing. Allele origin: germline. Affected: yes.
Comment: Not observed at significant frequency in large population cohorts (gnomAD); In silico analysis indicates that this missense variant does not alter protein structure/function; Has not been previously published as pathogenic or benign to our knowledge; Also known as 748A>G

Labcorp Genetics (formerly Invitae), Labcorp
Classification: Uncertain significance for Hereditary breast ovarian cancer syndrome. Last evaluated: 2024-03-01. Review status: criteria provided, single submitter. Criteria: Invitae Variant Classification Sherloc (09022015). Collection method: clinical testing. Allele origin: germline.
Comment: This sequence change replaces glutamine, which is neutral and polar, with arginine, which is basic and polar, at codon 210 of the BRCA1 protein (p.Gln210Arg). This variant is not present in population databases (gnomAD no frequency). This variant has not been reported in the literature in individuals affected with BRCA1-related conditions. ClinVar contains an entry for this variant (Variation ID: 968031). Advanced modeling of protein sequence and biophysical properties (such as structural, functional, and spatial information, amino acid conservation, physicochemical variation, residue mobility, and thermodynamic stability) performed at Invitae indicates that this missense variant is not expected to disrupt BRCA1 protein function with a negative predictive value of 95%. In summary, the available evidence is currently insufficient to determine the role of this variant in disease. Therefore, it has been classified as a Variant of Uncertain Significance.

All of Us Research Program, National Institutes of Health
Classification: Uncertain significance for Breast-ovarian cancer, familial, susceptibility to, 1. Last evaluated: 2023-08-23. Review status: criteria provided, single submitter. Criteria: ACMG Guidelines, 2015. Collection method: clinical testing. Allele origin: germline. Inheritance: Autosomal dominant inheritance. Observed: 1 variant allele, 1 heterozygote.
Comment: This missense variant replaces glutamine with arginine at codon 210 of the BRCA1 protein. Computational prediction is inconclusive regarding the impact of this variant on protein structure and function (internally defined REVEL score threshold 0.5 < inconclusive < 0.7, PMID: 27666373). To our knowledge, functional studies have not been reported for this variant. This variant has not been reported in individuals affected with BRCA1-related disorders in the literature. This variant has not been identified in the general population by the Genome Aggregation Database (gnomAD). The available evidence is insufficient to determine the role of this variant in disease conclusively. Therefore, this variant is classified as a Variant of Uncertain Significance.

This study involves interpretation of variants in research participants for the purpose of population health screening. Participant phenotype was not available at the time of variant classification. Additional details can be found in publication PMID: 35346344, PMCID: PMC8962531

NM_007294.4(BRCA1):c.629A>G (p.Gln210Arg)

Gene: BRCA1 (BRCA1 DNA repair associated; minus strand). Cytogenetic location: 17q21.31.
Variant type: single nucleotide variant.
Coding change: c.629A>G on transcript NM_007294.4 (MANE Select); coding-DNA position 629, A replaced by G.
Protein change: p.Gln210Arg; replaces glutamine 210 with arginine.
Molecular consequence: missense variant. On other transcripts: non-coding transcript variant (1).
Genome position (GRCh38, 1-based): chr17:43,095,887, T>C on the plus strand (A>G on the coding strand, the complement: BRCA1 is on the minus strand). VCF-style: chr17-43095887-T-C. GRCh37 (hg19) VCF-style: chr17-41247904-T-C.
Other names: c.488A>G, p.Gln163Arg (NM_001407732.1, NM_001407733.1, NM_001407734.1 and 43 more transcripts); c.485A>G, p.Gln162Arg (NM_001407740.1, NM_001407741.1, NM_001407742.1 and 26 more transcripts); c.416A>G, p.Gln139Arg (NM_001407853.1, NM_001407894.1, NM_001407895.1 and 12 more transcripts); c.629A>G, p.Gln210Arg (NM_001407854.1, NM_001407858.1, NM_001407859.1 and 59 more transcripts); c.626A>G, p.Gln209Arg (NM_001407860.1, NM_001407861.1, NM_001407972.1 and 41 more transcripts); c.419A>G, p.Gln140Arg (NM_001407879.1, NM_001407881.1, NM_001407882.1 and 27 more transcripts); c.248A>G, p.Gln83Arg (NM_001407959.1, NM_001407960.1, NM_001407963.1 and 1 more transcripts); c.245A>G, p.Gln82Arg (NM_001407962.1); and 4 more; short protein forms Q210R, Q163R, Q140R, Q183R, Q209R, Q82R, Q139R, Q162R.
Identifiers: ClinVar variation 968031 (VCV000968031.14), dbSNP rs2054113483, ClinGen allele CA10600847.